The following is an entry in ClinVar:

ClinVar aggregate classification (germline): Uncertain significance. Review status: criteria provided, multiple submitters, no conflicts (2 of 4 stars). 2 submissions from 2 submitters: Uncertain significance (2). Last evaluated 2024-01-09.

Conditions:
Inborn genetic diseases. Identifiers: MedGen C0950123, MeSH D030342.

Allele frequency attached by ClinVar (database versions not stated): ExAC 0.00001; gnomAD 0.00002; gnomAD exomes 0.00002; TOPMed 0.00002.
gnomAD v4.1: 27 of 1,605,448 alleles (0.0017%); highest among the groups gnomAD compares: Middle Eastern, 0.016%; no homozygotes.

Submissions (2):

Ambry Genetics
Classification: Uncertain significance for Inborn genetic diseases. Last evaluated: 2024-01-09. Review status: criteria provided, single submitter. Criteria: Ambry Variant Classification Scheme 2023. Collection method: clinical testing. Allele origin: germline.

Labcorp Genetics (formerly Invitae), Labcorp
Classification: Uncertain significance. Last evaluated: 2023-07-28. Review status: criteria provided, single submitter. Criteria: Invitae Variant Classification Sherloc (09022015). Collection method: clinical testing. Allele origin: germline.
Comment: This variant has not been reported in the literature in individuals affected with EPRS-related conditions. In summary, the available evidence is currently insufficient to determine the role of this variant in disease. Therefore, it has been classified as a Variant of Uncertain Significance. An algorithm developed to predict the effect of missense changes on protein structure and function (PolyPhen-2) suggests that this variant is likely to be tolerated. ClinVar contains an entry for this variant (Variation ID: 1680867). This variant is present in population databases (rs199712671, gnomAD 0.005%). This sequence change replaces alanine, which is neutral and non-polar, with valine, which is neutral and non-polar, at codon 1183 of the EPRS protein (p.Ala1183Val).

NM_004446.3(EPRS1):c.3548C>T (p.Ala1183Val)

Gene: EPRS1 (glutamyl-prolyl-tRNA synthetase 1; minus strand). Cytogenetic location: 1q41.
Variant type: single nucleotide variant.
Coding change: c.3548C>T on transcript NM_004446.3 (MANE Select); coding-DNA position 3548, C replaced by T.
Protein change: p.Ala1183Val; replaces alanine 1183 with valine.
Molecular consequence: missense variant.
Genome position (GRCh38, 1-based): chr1:219,980,763, G>A on the plus strand (C>T on the coding strand, the complement: EPRS1 is on the minus strand). VCF-style: chr1-219980763-G-A. GRCh37 (hg19) VCF-style: chr1-220154105-G-A.
Other names: c.3548C>T (NM_004446.2); short protein forms A1183V.
Identifiers: ClinVar variation 1680867 (VCV001680867.7), dbSNP rs199712671, ClinGen allele CA1399655.